The following is an entry in ClinVar:

ClinVar aggregate classification (germline): Likely benign. Review status: criteria provided, multiple submitters, no conflicts (2 of 4 stars). 2 submissions from 2 submitters: Likely benign (2). Last evaluated 2025-04-01.

Allele frequency attached by ClinVar (database versions not stated): 1000 Genomes Project 30x 0.00141; gnomAD 0.00316.

Submissions (2):

CeGaT Center for Human Genetics Tuebingen
Classification: Likely benign. Last evaluated: 2025-04-01. Review status: criteria provided, single submitter. Criteria: CeGaT Center For Human Genetics Tuebingen Variant Classification Criteria Version 2. Collection method: clinical testing. Allele origin: germline. Affected: yes. Observed: 2 variant alleles.
Comment: MUC7: BP4

Ambry Genetics
Classification: Likely benign. Last evaluated: 2021-10-22. Review status: criteria provided, single submitter. Criteria: Ambry Variant Classification Scheme 2023. Collection method: clinical testing. Allele origin: germline.

NM_152291.3(MUC7):c.655C>T (p.Pro219Ser)

Gene: MUC7 (mucin 7, secreted; plus strand). Cytogenetic location: 4q13.3.
Variant type: single nucleotide variant.
Coding change: c.655C>T on transcript NM_152291.3 (MANE Select); coding-DNA position 655, C replaced by T.
Protein change: p.Pro219Ser; replaces proline 219 with serine.
Molecular consequence: missense variant.
Genome position (GRCh38, 1-based): chr4:70,481,399, C>T. VCF-style: chr4-70481399-C-T. GRCh37 (hg19) VCF-style: chr4-71347116-C-T.
Other names: c.655C>T, p.Pro219Ser (NM_001145006.2, NM_001145007.2); short protein forms P219S.
Identifiers: ClinVar variation 3150682 (VCV003150682.19), dbSNP rs41454651, ClinGen allele CA2950767.